The following is an entry in ClinVar:

NM_001104631.2(PDE4D):c.1487T>C (p.Ile496Thr)

Gene: PDE4D (phosphodiesterase 4D; minus strand). Cytogenetic location: 5q11.2.
Variant type: single nucleotide variant.
Coding change: c.1487T>C on transcript NM_001104631.2 (MANE Select); coding-DNA position 1487, T replaced by C.
Protein change: p.Ile496Thr; replaces isoleucine 496 with threonine.
Molecular consequence: missense variant.
Genome position (GRCh38, 1-based): chr5:58,988,558, A>G on the plus strand (T>C on the coding strand, the complement: PDE4D is on the minus strand). VCF-style: chr5-58988558-A-G. GRCh37 (hg19) VCF-style: chr5-58284385-A-G.
Other names: c.1304T>C, p.Ile435Thr (NM_001165899.2, NM_001364599.1); c.1295T>C, p.Ile432Thr (NM_001197218.2); c.1121T>C, p.Ile374Thr (NM_001197219.2); c.1097T>C, p.Ile366Thr (NM_001197220.2); c.581T>C, p.Ile194Thr (NM_001197221.2, NM_001364603.1); c.815T>C, p.Ile272Thr (NM_001197222.2); c.614T>C, p.Ile205Thr (NM_001197223.2); c.1274T>C, p.Ile425Thr (NM_001349241.2); and 3 more; short protein forms I194T, I205T, I240T, I272T, I360T, I366T, I374T, I386T.
Identifiers: ClinVar variation 3607496 (VCV003607496.1).

ClinVar aggregate classification (germline): Uncertain significance (1 of 4 stars; one submission).

gnomAD v4.1: 4 of 1,503,274 alleles (0.00027%); highest among the groups gnomAD compares: Admixed American, 0.0021%; no homozygotes.

Submission:

Labcorp Genetics (formerly Invitae), Labcorp
Classification: Uncertain significance. Last evaluated: 2025-01-15. Review status: criteria provided, single submitter. Criteria: Invitae Variant Classification Sherloc (09022015). Collection method: clinical testing. Allele origin: germline.
Comment: This sequence change replaces isoleucine, which is neutral and non-polar, with threonine, which is neutral and polar, at codon 496 of the PDE4D protein (p.Ile496Thr). This variant is present in population databases (no rsID available, gnomAD 0.002%). This variant has not been reported in the literature in individuals affected with PDE4D-related conditions. Invitae Evidence Modeling of protein sequence and biophysical properties (such as structural, functional, and spatial information, amino acid conservation, physicochemical variation, residue mobility, and thermodynamic stability) indicates that this missense variant is expected to disrupt PDE4D protein function with a positive predictive value of 80%. In summary, the available evidence is currently insufficient to determine the role of this variant in disease. Therefore, it has been classified as a Variant of Uncertain Significance.